The following is an entry in ClinVar:

ClinVar aggregate classification (germline): Uncertain significance. Review status: criteria provided, multiple submitters, no conflicts (2 of 4 stars). 2 submissions from 2 submitters: Uncertain significance (2). Last evaluated 2024-02-24.

Submissions (2):

Labcorp Genetics (formerly Invitae), Labcorp
Classification: Uncertain significance. Last evaluated: 2024-02-24. Review status: criteria provided, single submitter. Criteria: Invitae Variant Classification Sherloc (09022015). Collection method: clinical testing. Allele origin: germline.
Comment: This sequence change replaces aspartic acid, which is acidic and polar, with asparagine, which is neutral and polar, at codon 23 of the IMPG1 protein (p.Asp23Asn). This variant also falls at the last nucleotide of exon 1, which is part of the consensus splice site for this exon. This variant is not present in population databases (gnomAD no frequency). This variant has not been reported in the literature in individuals affected with IMPG1-related conditions. ClinVar contains an entry for this variant (Variation ID: 946153). An algorithm developed to predict the effect of missense changes on protein structure and function (PolyPhen-2) suggests that this variant is likely to be tolerated. Variants that disrupt the consensus splice site are a relatively common cause of aberrant splicing (PMID: 17576681, 9536098). Algorithms developed to predict the effect of sequence changes on RNA splicing suggest that this variant may disrupt the consensus splice site. In summary, the available evidence is currently insufficient to determine the role of this variant in disease. Therefore, it has been classified as a Variant of Uncertain Significance.

Blueprint Genetics
Classification: Uncertain significance. Last evaluated: 2020-10-07. Review status: criteria provided, single submitter. Criteria: ACMG Guidelines, 2015. Collection method: clinical testing. Allele origin: germline.

Literature cited by the submitters: PubMed 17576681 (cited by Labcorp Genetics (formerly Invitae), Labcorp); PubMed 9536098 (cited by Labcorp Genetics (formerly Invitae), Labcorp).

NM_001563.4(IMPG1):c.67G>A (p.Asp23Asn)

Gene: IMPG1 (interphotoreceptor matrix proteoglycan 1; minus strand). Cytogenetic location: 6q14.1.
Variant type: single nucleotide variant.
Coding change: c.67G>A on transcript NM_001563.4 (MANE Select); coding-DNA position 67, G replaced by A.
Protein change: p.Asp23Asn; replaces aspartic acid 23 with asparagine.
Molecular consequence: missense variant.
Genome position (GRCh38, 1-based): chr6:76,072,422, C>T on the plus strand (G>A on the coding strand, the complement: IMPG1 is on the minus strand). VCF-style: chr6-76072422-C-T. GRCh37 (hg19) VCF-style: chr6-76782139-C-T.
Other names: c.67G>A, p.Val23Met (NM_001282368.2); short protein forms V23M, D23N.
Identifiers: ClinVar variation 946153 (VCV000946153.10), dbSNP rs1325523223, ClinGen allele CA364830672.